The following is an entry in ClinVar:

ClinVar aggregate classification (germline): Likely benign. Review status: criteria provided, multiple submitters, no conflicts (2 of 4 stars). 5 submissions from 5 submitters: Likely benign (4). 1 of the submissions does not count toward it. Last evaluated 2025-09-24.

Conditions:
Naxos disease (NXD). Also called: CARDIOMYOPATHY, ARRHYTHMOGENIC RIGHT VENTRICULAR, WITH SKIN, HAIR, AND NAIL ABNORMALITIES; KERATOSIS PALMOPLANTARIS WITH ARRHYTHMOGENIC CARDIOMYOPATHY; MAL DE NAXOS; PALMOPLANTAR KERATODERMA WITH ARRHYTHMOGENIC RIGHT VENTRICULAR CARDIOMYOPATHY AND WOOLLY HAIR; WOOLLY HAIR, PALMOPLANTAR KERATODERMA, AND CARDIAC ABNORMALITIES. Identifiers: Orphanet 34217, MedGen C1832600, MONDO:0011017, OMIM 601214.
Arrhythmogenic right ventricular dysplasia 12. Also called: ARRHYTHMOGENIC RIGHT VENTRICULAR DYSPLASIA, FAMILIAL, 12. Identifiers: MedGen C1969081, MONDO:0012684, OMIM 611528.
JUP-related disorder. Also called: JUP-related condition.
Cardiovascular phenotype. Identifiers: MedGen CN230736.

Allele frequency attached by ClinVar (database versions not stated): ExAC 0.00007; gnomAD 0.00011; ESP Exome Variant Server 0.00015; TOPMed 0.00023; 1000 Genomes Project 30x 0.00031; 1000 Genomes Project 0.00040; gnomAD exomes 0.00003 and 0.00006.
gnomAD v4.1: 66 of 1,614,222 alleles (0.0041%); highest among the groups gnomAD compares: African/African-American, 0.049%; no homozygotes.

Submissions (5):

Labcorp Genetics (formerly Invitae), Labcorp
Classification: Likely benign for Arrhythmogenic right ventricular dysplasia 12; Naxos disease. Last evaluated: 2025-09-24. Review status: criteria provided, single submitter. Criteria: Invitae Variant Classification Sherloc (09022015). Collection method: clinical testing. Allele origin: germline.

GeneDx
Classification: Likely benign. Last evaluated: 2019-11-08. Review status: criteria provided, single submitter. Criteria: GeneDx Variant Classification Process June 2021. Collection method: clinical testing. Allele origin: germline. Affected: yes.

Ambry Genetics
Classification: Likely benign for Cardiovascular phenotype. Last evaluated: 2019-08-22. Review status: criteria provided, single submitter. Criteria: Ambry Variant Classification Scheme 2023. Collection method: clinical testing. Allele origin: germline.

Laboratory for Molecular Medicine, Mass General Brigham Personalized Medicine
Classification: Likely benign. Last evaluated: 2012-03-19. Review status: criteria provided, single submitter. Criteria: LMM Criteria. Collection method: clinical testing. Allele origin: germline. Observed: 1 variant allele.
Comment: p.Arg663Arg in exon 12 of JUP: This variant is not expected to have clinical sig nificance because it does not alter an amino acid residue and is not located wit hin the splice consensus sequence. It has been identified in 1/3738 African Amer ican chromosomes from a broad population by the NHLBI Exome Sequencing Project (dbSNP rs145175985).

PreventionGenetics, part of Exact Sciences
Classification: Likely benign for JUP-related condition. Last evaluated: 2024-01-10. Review status: no assertion criteria provided. Collection method: clinical testing. Allele origin: germline. Not counted in ClinVar's aggregate classification.
Comment: This variant is classified as likely benign based on ACMG/AMP sequence variant interpretation guidelines (Richards et al. 2015 PMID: 25741868, with internal and published modifications).

NM_002230.4(JUP):c.1989C>T (p.Arg663=)

Gene: JUP (junction plakoglobin; minus strand). Cytogenetic location: 17q21.2.
Variant type: single nucleotide variant.
Coding change: c.1989C>T on transcript NM_002230.4 (MANE Select); coding-DNA position 1989, C replaced by T.
Protein change: p.Arg663=; no amino-acid change (arginine 663 retained).
Molecular consequence: synonymous variant.
Genome position (GRCh38, 1-based): chr17:41,757,472, G>A on the plus strand (C>T on the coding strand, the complement: JUP is on the minus strand). VCF-style: chr17-41757472-G-A. GRCh37 (hg19) VCF-style: chr17-39913724-G-A.
Other names: c.1989C>T, p.Arg663= (NM_001352773.2, NM_001352774.2, NM_001352775.2 and 3 more transcripts).
Identifiers: ClinVar variation 178039 (VCV000178039.18), dbSNP rs145175985, ClinGen allele CA181249.